The following is an entry in ClinVar:

ClinVar aggregate classification (germline): Uncertain significance. Review status: criteria provided, multiple submitters, no conflicts (2 of 4 stars). 2 submissions from 2 submitters: Uncertain significance (2). Last evaluated 2024-06-19.

Conditions:
Familial thoracic aortic aneurysm and aortic dissection (TAAD). Also called: Thoracic aortic aneurysms and dissections. Identifiers: Orphanet 91387, MedGen C4707243, MONDO:0019625.
Marfan syndrome (MFS). Also called: Marfan syndrome, classic; Marfan syndrome type 1; Marfan's syndrome; FBN1-Related Marfan Syndrome; MARFAN SYNDROME, TYPE I. Identifiers: Orphanet 284963, Orphanet 558, MedGen C0024796, MONDO:0007947, OMIM 154700.

Allele frequency attached by ClinVar (database versions not stated): gnomAD exomes below 0.00001.

Submissions (2):

Labcorp Genetics (formerly Invitae), Labcorp
Classification: Uncertain significance for Marfan syndrome; Familial thoracic aortic aneurysm and aortic dissection. Last evaluated: 2024-06-19. Review status: criteria provided, single submitter. Criteria: Invitae Variant Classification Sherloc (09022015). Collection method: clinical testing. Allele origin: germline.
Comment: This sequence change replaces methionine, which is neutral and non-polar, with valine, which is neutral and non-polar, at codon 2263 of the FBN1 protein (p.Met2263Val). This variant is not present in population databases (gnomAD no frequency). This variant has not been reported in the literature in individuals affected with FBN1-related conditions. ClinVar contains an entry for this variant (Variation ID: 926475). Advanced modeling of protein sequence and biophysical properties (such as structural, functional, and spatial information, amino acid conservation, physicochemical variation, residue mobility, and thermodynamic stability) has been performed at Invitae for this missense variant, however the output from this modeling did not meet the statistical confidence thresholds required to predict the impact of this variant on FBN1 protein function. In summary, the available evidence is currently insufficient to determine the role of this variant in disease. Therefore, it has been classified as a Variant of Uncertain Significance.

Color Diagnostics, LLC DBA Color Health
Classification: Uncertain significance for Familial thoracic aortic aneurysm and aortic dissection. Last evaluated: 2024-03-06. Review status: criteria provided, single submitter. Criteria: ACMG Guidelines, 2015. Collection method: clinical testing. Allele origin: germline.
Comment: This missense variant replaces methionine with valine at codon 2263 of the FBN1 protein. Computational prediction tool is inconclusive regarding the impact of this variant on protein structure and function (internally defined REVEL score threshold 0.5 < inconclusive < 0.7, PMID: 27666373). Splice site prediction tools suggest that this variant may not impact RNA splicing. To our knowledge, functional studies have not been performed for this variant. This variant has not been reported in individuals affected with cardiovascular disorders in the literature. This variant has not been identified in the general population by the Genome Aggregation Database (gnomAD). The available evidence is insufficient to determine the role of this variant in disease conclusively. Therefore, this variant is classified as a Variant of Uncertain Significance.

NM_000138.5(FBN1):c.6787A>G (p.Met2263Val)

Gene: FBN1 (fibrillin 1; minus strand). Cytogenetic location: 15q21.1.
Variant type: single nucleotide variant.
Coding change: c.6787A>G on transcript NM_000138.5 (MANE Select); coding-DNA position 6787, A replaced by G.
Protein change: p.Met2263Val; replaces methionine 2263 with valine.
Molecular consequence: missense variant.
Genome position (GRCh38, 1-based): chr15:48,430,755, T>C on the plus strand (A>G on the coding strand, the complement: FBN1 is on the minus strand). VCF-style: chr15-48430755-T-C. GRCh37 (hg19) VCF-style: chr15-48722952-T-C.
Other names: short protein forms M2263V.
Identifiers: ClinVar variation 926475 (VCV000926475.6), dbSNP rs2043017749, ClinGen allele CA392332571.